The following is an entry in ClinVar:

ClinVar aggregate classification (germline): Uncertain significance (1 of 4 stars; one submission).

Submission:

CeGaT Center for Human Genetics Tuebingen
Classification: Uncertain significance. Last evaluated: 2024-07-01. Review status: criteria provided, single submitter. Criteria: CeGaT Center For Human Genetics Tuebingen Variant Classification Criteria Version 2. Collection method: clinical testing. Allele origin: germline. Affected: yes. Observed: 1 variant allele.
Comment: BRD4: PM2

NM_001379291.1(BRD4):c.3780G>A (p.Met1260Ile)

Gene: BRD4 (bromodomain containing 4; minus strand). Cytogenetic location: 19p13.12.
Variant type: single nucleotide variant.
Coding change: c.3780G>A on transcript NM_001379291.1 (MANE Select); coding-DNA position 3780, G replaced by A.
Protein change: p.Met1260Ile; replaces methionine 1260 with isoleucine.
Molecular consequence: missense variant.
Genome position (GRCh38, 1-based): chr19:15,239,061, C>T on the plus strand (G>A on the coding strand, the complement: BRD4 is on the minus strand). VCF-style: chr19-15239061-C-T. GRCh37 (hg19) VCF-style: chr19-15349872-C-T.
Other names: c.3780G>A, p.Met1260Ile (NM_058243.3); short protein forms M1260I.
Identifiers: ClinVar variation 3257439 (VCV003257439.17).
Genomic context (GRCh38, chr19:15,239,061, plus strand): 5'-AGCCTGGGGACTGGTGTGGCCCCAAGAGTCCCCATGCCCCACCCAGACACCCGCCCACCT[C>T]ATGCGCTCCTGCCGCAGCCGCTCCTTCTCCTTCTCAGCGTGCTCGGCCTGAGCCTTCAGG-3'
Protein context (NP_001366220.1, residues 1250-1270): KEKERLRQER[Met1260Ile]RSREDEDALE